The following is an entry in ClinVar:

NM_152703.5(SAMD9L):c.673G>T (p.Ala225Ser)

Gene: SAMD9L (sterile alpha motif domain containing 9 like; minus strand). Cytogenetic location: 7q21.2.
Variant type: single nucleotide variant.
Coding change: c.673G>T on transcript NM_152703.5 (MANE Select); coding-DNA position 673, G replaced by T.
Protein change: p.Ala225Ser; replaces alanine 225 with serine.
Molecular consequence: missense variant.
Genome position (GRCh38, 1-based): chr7:93,135,299, C>A on the plus strand (G>T on the coding strand, the complement: SAMD9L is on the minus strand). VCF-style: chr7-93135299-C-A. GRCh37 (hg19) VCF-style: chr7-92764612-C-A.
Other names: c.673G>T, p.Ala225Ser (NM_001303496.3, NM_001303497.3, NM_001303498.3 and 5 more transcripts); c.673G>T (NM_152703.2); short protein forms A225S.
Identifiers: ClinVar variation 2852010 (VCV002852010.4), dbSNP rs1399377978, ClinGen allele CA368201688.

ClinVar aggregate classification (germline): Uncertain significance. Review status: criteria provided, multiple submitters, no conflicts (2 of 4 stars). 2 submissions from 2 submitters: Uncertain significance (2). Last evaluated 2024-12-22.

Conditions:
Inborn genetic diseases. Identifiers: MedGen C0950123, MeSH D030342.

Allele frequency attached by ClinVar (database versions not stated): TOPMed below 0.00001.
gnomAD v4.1: 8 of 1,614,004 alleles (0.0005%); highest among the groups gnomAD compares: Non-Finnish European, 0.00068%; no homozygotes.

Submissions (2):

Ambry Genetics
Classification: Uncertain significance for Inborn genetic diseases. Last evaluated: 2024-12-22. Review status: criteria provided, single submitter. Criteria: Ambry Variant Classification Scheme 2023. Collection method: clinical testing. Allele origin: germline.
Comment: The p.A225S variant (also known as c.673G>T), located in coding exon 1 of the SAMD9L gene, results from a G to T substitution at nucleotide position 673. The alanine at codon 225 is replaced by serine, an amino acid with similar properties. This amino acid position is conserved. In addition, this alteration is predicted to be tolerated by in silico analysis. Based on the available evidence, the clinical significance of this variant remains unclear.

Labcorp Genetics (formerly Invitae), Labcorp
Classification: Uncertain significance. Last evaluated: 2023-04-05. Review status: criteria provided, single submitter. Criteria: Invitae Variant Classification Sherloc (09022015). Collection method: clinical testing. Allele origin: germline.
Comment: This sequence change replaces alanine, which is neutral and non-polar, with serine, which is neutral and polar, at codon 225 of the SAMD9L protein (p.Ala225Ser). This variant is present in population databases (no rsID available, gnomAD 0.007%). This variant has not been reported in the literature in individuals affected with SAMD9L-related conditions. An algorithm developed to predict the effect of missense changes on protein structure and function (PolyPhen-2) suggests that this variant is likely to be disruptive. In summary, the available evidence is currently insufficient to determine the role of this variant in disease. Therefore, it has been classified as a Variant of Uncertain Significance.